The following is an entry in ClinVar:

NM_000492.4(CFTR):c.1584+49_1584+50del

Genes: CFTR (CF transmembrane conductance regulator; plus strand), CFTR-AS1 (CFTR antisense RNA 1; minus strand). Cytogenetic location: 7q31.2.
Variant type: Microsatellite.
Coding change: c.1584+49_1584+50del on transcript NM_000492.4 (MANE Select); bases 49 to 50 of the intron after coding-DNA position 1584, 2 bases deleted (AC; older notation c.1584+49_1584+50delAC).
Molecular consequence: intron variant.
Genome position (GRCh38, 1-based): chr7:117,559,704-117,559,705, AC deleted; deleting any 2 consecutive bases within chr7:117,559,701-117,559,705 gives the same sequence; the c. name uses the placement nearest the transcript's 3' end. VCF-style (leftmost placement, unchanged base first): chr7-117559700-TCA-T. GRCh37 (hg19) VCF-style: chr7-117199754-TCA-T.
Identifiers: ClinVar variation 3036225 (VCV003036225.2), dbSNP rs761805718, ClinGen allele CA4451033.
Genomic context (GRCh38, chr7:117,559,700, plus strand): 5'-ATGCCAACTAGAAGAGGTAAGAAACTATGTGAAAACTTTTTGATTATGCATATGAACCCT[TCA>T]CACTACCCAAATTATATATTTGGCTCCATATTCAATCGGTTAGTCTACATATATTTATGT-3'

ClinVar aggregate classification (germline): Likely benign (0 of 4 stars; one submission).

Conditions:
CFTR-related disorder (CFTR-RD). Also called: CFTR-related condition; CFTR-related disorders. Identifiers: MedGen C5924204, MONDO:7770004.

Submission:

PreventionGenetics, part of Exact Sciences
Classification: Likely benign for CFTR-related condition. Last evaluated: 2021-04-21. Review status: no assertion criteria provided. Collection method: clinical testing. Allele origin: germline.
Comment: This variant is classified as likely benign based on ACMG/AMP sequence variant interpretation guidelines (Richards et al. 2015 PMID: 25741868, with internal and published modifications).